The following is an entry in ClinVar:

ClinVar aggregate classification (germline): Benign (1 of 4 stars; one submission).

Conditions:
Lynch syndrome 5 (LYNCH5). Also called: Colorectal cancer, hereditary nonpolyposis, type 5; Hereditary non-polyposis colorectal cancer, type 5. Identifiers: Orphanet 144, MedGen C1833477, MONDO:0013710, OMIM 614350. Disease mechanism: loss of function.

gnomAD v4.1: 1 of 1,614,172 alleles (0.000062%); highest among the groups gnomAD compares: Non-Finnish European, 0.000085%; no homozygotes.

Submission:

Myriad Genetics, Inc.
Classification: Benign for Lynch syndrome 5. Last evaluated: 2024-12-20. Review status: criteria provided, single submitter. Criteria: Myriad Autosomal Dominant, Autosomal Recessive and X-Linked Classification Criteria (2023). Collection method: clinical testing. Allele origin: unknown.
Comment: This variant is considered benign. This variant is a silent/synonymous amino acid change and it is not expected to impact splicing.

NM_000179.3(MSH6):c.831A>G (p.Glu277=)

Gene: MSH6 (mutS homolog 6; plus strand). Cytogenetic location: 2p16.3.
Variant type: single nucleotide variant.
Coding change: c.831A>G on transcript NM_000179.3 (MANE Select); coding-DNA position 831, A replaced by G.
Protein change: p.Glu277=; no amino-acid change (glutamic acid 277 retained).
Molecular consequence: synonymous variant. On other transcripts: 5 prime UTR variant (9), non-coding transcript variant (4), intron variant (1).
Genome position (GRCh38, 1-based): chr2:47,798,814, A>G. VCF-style: chr2-47798814-A-G. GRCh37 (hg19) VCF-style: chr2-48025953-A-G.
Other names: c.441A>G, p.Glu147= (NM_001281492.2); c.-76A>G (NM_001281493.2, NM_001281494.2, NM_001406811.1 and 6 more transcripts); c.927A>G, p.Glu309= (NM_001406795.1, NM_001406802.1); c.831A>G, p.Glu277= (NM_001406796.1, NM_001406798.1, NM_001406800.1 and 4 more transcripts); c.534A>G, p.Glu178= (NM_001406797.1, NM_001406801.1, NM_001406805.1 and 10 more transcripts); c.306A>G, p.Glu102= (NM_001406799.1, NM_001406806.1, NM_001406807.1); c.753A>G, p.Glu251= (NM_001406804.1); c.837A>G, p.Glu279= (NM_001406813.1); and 2 more.
Identifiers: ClinVar variation 3903624 (VCV003903624.1).
Genomic context (GRCh38, chr2:47,798,814, plus strand): 5'-CATTGGTGGCTCTGATGTGGAATTTAAGCCAGACACTAAGGAGGAAGGAAGCAGTGATGA[A>G]ATAAGCAGTGGAGTGGGGGATAGTGAGAGTGAAGGCCTGAACAGCCCTGTCAAAGTTGCT-3'
Protein context (NP_000170.1, residues 267-287): PDTKEEGSSD[Glu277=]ISSGVGDSES